The following is an entry in ClinVar:

ClinVar aggregate classification (germline): Likely benign (1 of 4 stars; one submission).

Submission:

CeGaT Center for Human Genetics Tuebingen
Classification: Likely benign. Last evaluated: 2026-04-01. Review status: criteria provided, single submitter. Criteria: CeGaT Center For Human Genetics Tuebingen Variant Classification Criteria Version 2. Collection method: clinical testing. Allele origin: germline. Affected: yes. Observed: 1 variant allele.
Comment: MRPS22: BP4, BP7

NM_020191.4(MRPS22):c.471G>A (p.Val157=)

Gene: MRPS22 (mitochondrial ribosomal protein S22; plus strand). Cytogenetic location: 3q23.
Variant type: single nucleotide variant.
Coding change: c.471G>A on transcript NM_020191.4 (MANE Select); coding-DNA position 471, G replaced by A.
Protein change: p.Val157=; no amino-acid change (valine 157 retained).
Molecular consequence: synonymous variant.
Genome position (GRCh38, 1-based): chr3:139,348,291, G>A. VCF-style: chr3-139348291-G-A. GRCh37 (hg19) VCF-style: chr3-139067133-G-A.
Other names: c.348G>A, p.Val116= (NM_001363857.1); c.468G>A, p.Val156= (NM_001363893.1).
Identifiers: ClinVar variation 4872529 (VCV004872529.2).
Genomic context (GRCh38, chr3:139,348,291, plus strand): 5'-AATAAATGATGTGTTAGCTGAAGATAAGATTTTGGAAGGAACAGAAACAACCAAATATGT[G>A]TTTACTGATATATCATATAGCATACCACACCGGGTGAGTATATGTCTAATCGCAAAATGA-3'
Protein context (NP_064576.1, residues 147-167): ILEGTETTKY[Val157=]FTDISYSIPH